The following is an entry in ClinVar:

ClinVar aggregate classification (germline): Uncertain significance (1 of 4 stars; one submission).

Allele frequency attached by ClinVar (database versions not stated): TOPMed 0.00001.
gnomAD v4.1: 1 of 1,613,898 alleles (0.000062%); highest among the groups gnomAD compares: Non-Finnish European, 0.000085%; no homozygotes.

Submission:

Labcorp Genetics (formerly Invitae), Labcorp
Classification: Uncertain significance. Last evaluated: 2024-04-15. Review status: criteria provided, single submitter. Criteria: Invitae Variant Classification Sherloc (09022015). Collection method: clinical testing. Allele origin: germline.
Comment: This sequence change falls in intron 20 of the AP3D1 gene. It does not directly change the encoded amino acid sequence of the AP3D1 protein. It affects a nucleotide within the consensus splice site. This variant is not present in population databases (gnomAD no frequency). This variant has not been reported in the literature in individuals affected with AP3D1-related conditions. Variants that disrupt the consensus splice site are a relatively common cause of aberrant splicing (PMID: 17576681, 9536098). Algorithms developed to predict the effect of sequence changes on RNA splicing suggest that this variant is not likely to affect RNA splicing. In summary, the available evidence is currently insufficient to determine the role of this variant in disease. Therefore, it has been classified as a Variant of Uncertain Significance.

Literature cited by the submitters: PubMed 17576681; PubMed 9536098.

NM_001261826.3(AP3D1):c.2350-3C>T

Gene: AP3D1 (adaptor related protein complex 3 subunit delta 1; minus strand). Cytogenetic location: 19p13.3.
Variant type: single nucleotide variant.
Coding change: c.2350-3C>T on transcript NM_001261826.3 (MANE Select); 3 bases into the intron before coding-DNA position 2350, C replaced by T.
Molecular consequence: intron variant.
Genome position (GRCh38, 1-based): chr19:2,114,824, G>A on the plus strand (C>T on the coding strand, the complement: AP3D1 is on the minus strand). VCF-style: chr19-2114824-G-A. GRCh37 (hg19) VCF-style: chr19-2114823-G-A.
Other names: c.2350-3C>T (NM_003938.8, NM_001374799.1).
Identifiers: ClinVar variation 2789482 (VCV002789482.3), dbSNP rs2018394088, ClinGen allele CA2318123660.